The following is an entry in ClinVar:

NM_001128225.3(SLC39A13):c.616G>A (p.Gly206Ser)

Gene: SLC39A13 (solute carrier family 39 member 13; plus strand). Cytogenetic location: 11p11.2.
Variant type: single nucleotide variant.
Coding change: c.616G>A on transcript NM_001128225.3 (MANE Select); coding-DNA position 616, G replaced by A.
Protein change: p.Gly206Ser; replaces glycine 206 with serine.
Molecular consequence: missense variant. On other transcripts: non-coding transcript variant (1).
Genome position (GRCh38, 1-based): chr11:47,413,478, G>A. VCF-style: chr11-47413478-G-A. GRCh37 (hg19) VCF-style: chr11-47435029-G-A.
Other names: c.616G>A, p.Gly206Ser (NM_001330245.2, NM_152264.5); short protein forms G206S.
Identifiers: ClinVar variation 1683402 (VCV001683402.2), dbSNP rs772303012, ClinGen allele CA5975842.

ClinVar aggregate classification (germline): Uncertain significance. Review status: criteria provided, multiple submitters, no conflicts (2 of 4 stars). 2 submissions from 2 submitters: Uncertain significance (2). Last evaluated 2022-04-07.

Allele frequency attached by ClinVar (database versions not stated): gnomAD 0.00001 and 0.00002; TOPMed 0.00001; ExAC 0.00002; gnomAD exomes 0.00002.

Submissions (2):

Women's Health and Genetics/Laboratory Corporation of America, LabCorp
Classification: Uncertain significance. Last evaluated: 2022-04-07. Review status: criteria provided, single submitter. Criteria: LabCorp Variant Classification Summary - May 2015. Collection method: clinical testing. Allele origin: germline.
Comment: Variant summary: SLC39A13 c.616G>A (p.Gly206Ser) results in a non-conservative amino acid change in the encoded protein sequence. Three of five in-silico tools predict a benign effect of the variant on protein function. The variant allele was found at a frequency of 2e-05 in 250328 control chromosomes. The available data on variant occurrences in the general population are insufficient to allow any conclusion about variant significance. To our knowledge, no occurrence of c.616G>A in individuals affected with Spondylocheirodysplasia, Ehlers-Danlos Syndrome-Like and no experimental evidence demonstrating its impact on protein function have been reported. No clinical diagnostic laboratories have submitted clinical-significance assessments for this variant to ClinVar after 2014. Based on the evidence outlined above, the variant was classified as uncertain significance.

Breakthrough Genomics
Classification: Uncertain significance. Review status: criteria provided, single submitter. Criteria: ACMG Guidelines, 2015. Collection method: not provided. Allele origin: germline. Inheritance: Autosomal recessive inheritance. Affected: yes.